The following is an entry in ClinVar:

ClinVar aggregate classification (germline): Uncertain significance (1 of 4 stars; one submission).

Conditions:
Spondylocostal dysostosis 3, autosomal recessive (SCDO3). Also called: LFNG-Related Spondylocostal Dysostosis, Autosomal Recessive. Identifiers: Orphanet 2311, MedGen C1853296, MONDO:0012349, OMIM 609813.

gnomAD v4.1: 1 of 1,612,520 alleles (0.000062%); highest among the groups gnomAD compares: Admixed American, 0.0017%; no homozygotes.

Submission:

Labcorp Genetics (formerly Invitae), Labcorp
Classification: Uncertain significance for Spondylocostal dysostosis 3, autosomal recessive. Last evaluated: 2024-10-21. Review status: criteria provided, single submitter. Criteria: Invitae Variant Classification Sherloc (09022015). Collection method: clinical testing. Allele origin: germline.
Comment: This sequence change replaces arginine, which is basic and polar, with leucine, which is neutral and non-polar, at codon 263 of the LFNG protein (p.Arg263Leu). This variant is present in population databases (no rsID available, gnomAD 0.0009%). This variant has not been reported in the literature in individuals affected with LFNG-related conditions. ClinVar contains an entry for this variant (Variation ID: 1525023). Invitae Evidence Modeling of protein sequence and biophysical properties (such as structural, functional, and spatial information, amino acid conservation, physicochemical variation, residue mobility, and thermodynamic stability) has been performed for this missense variant. However, the output from this modeling did not meet the statistical confidence thresholds required to predict the impact of this variant on LFNG protein function. In summary, the available evidence is currently insufficient to determine the role of this variant in disease. Therefore, it has been classified as a Variant of Uncertain Significance.

NM_001040167.2(LFNG):c.788G>T (p.Arg263Leu)

Gene: LFNG (LFNG O-fucosylpeptide 3-beta-N-acetylglucosaminyltransferase; plus strand). Cytogenetic location: 7p22.3.
Variant type: single nucleotide variant.
Coding change: c.788G>T on transcript NM_001040167.2 (MANE Select); coding-DNA position 788, G replaced by T.
Protein change: p.Arg263Leu; replaces arginine 263 with leucine.
Molecular consequence: missense variant.
Genome position (GRCh38, 1-based): chr7:2,525,737, G>T. VCF-style: chr7-2525737-G-T. GRCh37 (hg19) VCF-style: chr7-2565371-G-T.
Other names: c.788G>T, p.Arg263Leu (NM_001040168.2); c.575G>T, p.Arg192Leu (NM_001166355.2); c.401G>T, p.Arg134Leu (NM_002304.3); short protein forms R192L, R263L, R134L.
Identifiers: ClinVar variation 1525023 (VCV001525023.6), dbSNP rs201864741, ClinGen allele CA152650715.